The following is an entry in ClinVar:

ClinVar aggregate classification (germline): Uncertain significance. Review status: criteria provided, multiple submitters, no conflicts (2 of 4 stars). 3 submissions from 3 submitters: Uncertain significance (3). Last evaluated 2026-03-27.

Conditions:
Myofibrillar myopathy 5. Also called: Filaminopathy (type); FILAMINOPATHY, AUTOSOMAL DOMINANT. Identifiers: Orphanet 171445, MedGen C1836050, MONDO:0012289, OMIM 609524.
Hypertrophic cardiomyopathy 26. Also called: Cardiomyopathy, familial hypertrophic, 26. Identifiers: Orphanet 75249, MedGen C4310749, MONDO:0014883, OMIM 617047.
Distal myopathy with posterior leg and anterior hand involvement. Also called: WILLIAMS DISTAL MYOPATHY. Identifiers: Orphanet 63273, MedGen C3279722, MONDO:0013550, OMIM 614065.
Cardiovascular phenotype. Identifiers: MedGen CN230736.

Allele frequency attached by ClinVar (database versions not stated): gnomAD exomes below 0.00001.
gnomAD v4.1: 1 of 1,588,926 alleles (0.000063%); highest among the groups gnomAD compares: Admixed American, 0.0018%; no homozygotes.

Submissions (3):

Ambry Genetics
Classification: Uncertain significance for Cardiovascular phenotype. Last evaluated: 2026-03-27. Review status: criteria provided, single submitter. Criteria: Ambry Variant Classification Scheme 2023. Collection method: clinical testing. Allele origin: germline.
Comment: The c.2551-3C>T intronic variant results from a C to T substitution 3 nucleotides upstream from coding exon 17 in the FLNC gene. This nucleotide position is well conserved in available vertebrate species. In silico splice site analysis predicts that this alteration will not have any significant effect on splicing. Based on the available evidence, the clinical significance of this variant remains unclear.

Labcorp Genetics (formerly Invitae), Labcorp
Classification: Uncertain significance for Distal myopathy with posterior leg and anterior hand involvement; Myofibrillar myopathy 5; Hypertrophic cardiomyopathy 26. Last evaluated: 2025-05-05. Review status: criteria provided, single submitter. Criteria: Invitae Variant Classification Sherloc (09022015). Collection method: clinical testing. Allele origin: germline.
Comment: This sequence change falls in intron 16 of the FLNC gene. It does not directly change the encoded amino acid sequence of the FLNC protein. It affects a nucleotide within the consensus splice site. The frequency data for this variant in the population databases is considered unreliable, as metrics indicate poor data quality at this position in the gnomAD database. This variant has not been reported in the literature in individuals affected with FLNC-related conditions. ClinVar contains an entry for this variant (Variation ID: 1058889). Variants that disrupt the consensus splice site are a relatively common cause of aberrant splicing (PMID: 17576681, 9536098). Algorithms developed to predict the effect of sequence changes on RNA splicing suggest that this variant is not likely to affect RNA splicing. In summary, the available evidence is currently insufficient to determine the role of this variant in disease. Therefore, it has been classified as a Variant of Uncertain Significance.

Women's Health and Genetics/Laboratory Corporation of America, LabCorp
Classification: Uncertain significance. Last evaluated: 2025-03-31. Review status: criteria provided, single submitter. Criteria: LabCorp Variant Classification Summary - May 2015. Collection method: clinical testing. Allele origin: germline.

Literature cited by the submitters: PubMed 17576681 (cited by Labcorp Genetics (formerly Invitae), Labcorp); PubMed 9536098 (cited by Labcorp Genetics (formerly Invitae), Labcorp).

NM_001458.5(FLNC):c.2551-3C>T

Gene: FLNC (filamin C; plus strand). Cytogenetic location: 7q32.1.
Variant type: single nucleotide variant.
Coding change: c.2551-3C>T on transcript NM_001458.5 (MANE Select); 3 bases into the intron before coding-DNA position 2551, C replaced by T.
Molecular consequence: intron variant.
Genome position (GRCh38, 1-based): chr7:128,843,226, C>T. VCF-style: chr7-128843226-C-T. GRCh37 (hg19) VCF-style: chr7-128483280-C-T.
Other names: c.2551-3C>T (NM_001127487.2, NM_001458.4).
Identifiers: ClinVar variation 1058889 (VCV001058889.10), dbSNP rs1293024920, ClinGen allele CA578150942.